The following is an entry in ClinVar:

NM_015158.5(KANK1):c.2059G>A (p.Glu687Lys)

Gene: KANK1 (KN motif and ankyrin repeat domains 1; plus strand). Cytogenetic location: 9p24.3.
Variant type: single nucleotide variant.
Coding change: c.2059G>A on transcript NM_015158.5 (MANE Select); coding-DNA position 2059, G replaced by A.
Protein change: p.Glu687Lys; replaces glutamic acid 687 with lysine.
Molecular consequence: missense variant. On other transcripts: non-coding transcript variant (1).
Genome position (GRCh38, 1-based): chr9:712,825, G>A. VCF-style: chr9-712825-G-A. GRCh37 (hg19) VCF-style: chr9-712825-G-A.
Other names: c.2059G>A, p.Glu687Lys (NM_001256876.3, NM_001256877.3, NM_001354331.2 and 2 more transcripts); c.1585G>A, p.Glu529Lys (NM_001354333.2, NM_001354335.2, NM_001354336.2 and 9 more transcripts); short protein forms E687K, E529K.
Identifiers: ClinVar variation 2402728 (VCV002402728.5), dbSNP rs116060855, ClinGen allele CA4960406.
Genomic context (GRCh38, chr9:712,825, plus strand): 5'-CGTACTGCAGACCAGGACACTAGCACAGATTTGGAACAGGTGCACCAGTTCACCAACACC[G>A]AGACGGCCACCCTCATAGAGTCCTGCACCAACACTTGTCTAAGCACTTTGGACAAGCAGA-3'
Protein context (NP_055973.2, residues 677-697): LEQVHQFTNT[Glu687Lys]TATLIESCTN

ClinVar aggregate classification (germline): Uncertain significance. Review status: criteria provided, multiple submitters, no conflicts (2 of 4 stars). 2 submissions from 2 submitters: Uncertain significance (2). Last evaluated 2024-10-23.

Allele frequency attached by ClinVar (database versions not stated): ExAC 0.00002; 1000 Genomes Project 30x 0.00016; 1000 Genomes Project 0.00020.
gnomAD v4.1: 30 of 1,613,896 alleles (0.0019%); highest among the groups gnomAD compares: Admixed American, 0.012%; no homozygotes.

Submissions (2):

Labcorp Genetics (formerly Invitae), Labcorp
Classification: Uncertain significance. Last evaluated: 2024-10-23. Review status: criteria provided, single submitter. Criteria: Invitae Variant Classification Sherloc (09022015). Collection method: clinical testing. Allele origin: germline.
Comment: This sequence change replaces glutamic acid, which is acidic and polar, with lysine, which is basic and polar, at codon 687 of the KANK1 protein (p.Glu687Lys). This variant is present in population databases (rs116060855, gnomAD 0.009%). This variant has not been reported in the literature in individuals affected with KANK1-related conditions. ClinVar contains an entry for this variant (Variation ID: 2402728). Invitae Evidence Modeling of protein sequence and biophysical properties (such as structural, functional, and spatial information, amino acid conservation, physicochemical variation, residue mobility, and thermodynamic stability) indicates that this missense variant is not expected to disrupt KANK1 protein function with a negative predictive value of 80%. In summary, the available evidence is currently insufficient to determine the role of this variant in disease. Therefore, it has been classified as a Variant of Uncertain Significance.

Ambry Genetics
Classification: Uncertain significance. Last evaluated: 2024-02-06. Review status: criteria provided, single submitter. Criteria: Ambry Variant Classification Scheme 2023. Collection method: clinical testing. Allele origin: germline.